The following is an entry in ClinVar:

ClinVar aggregate classification (germline): Likely benign (1 of 4 stars; one submission).

Allele frequency attached by ClinVar (database versions not stated): ExAC 0.00003; gnomAD exomes 0.00004 and 0.00012; gnomAD 0.00007; TOPMed 0.00007; 1000 Genomes Project 0.00020; 1000 Genomes Project 30x 0.00031.
gnomAD v4.1: 176 of 1,611,042 alleles (0.011%); highest among the groups gnomAD compares: Non-Finnish European, 0.015%; no homozygotes.

Submission:

GeneDx
Classification: Likely benign. Last evaluated: 2019-10-17. Review status: criteria provided, single submitter. Criteria: GeneDx Variant Classification Process June 2021. Collection method: clinical testing. Allele origin: germline. Affected: yes.
Comment: This variant is associated with the following publications: (PMID: 33126486)

NM_145239.3(PRRT2):c.1013-61C>T

Genes: MVP-DT (MVP divergent transcript; minus strand), PRRT2 (proline rich transmembrane protein 2; plus strand). Cytogenetic location: 16p11.2.
Variant type: single nucleotide variant.
Coding change: c.1013-61C>T on transcript NM_145239.3 (MANE Select); 61 bases into the intron before coding-DNA position 1013, C replaced by T.
Molecular consequence: intron variant. On other transcripts: missense variant (1), 3 prime UTR variant (1).
Genome position (GRCh38, 1-based): chr16:29,814,567, C>T. VCF-style: chr16-29814567-C-T. GRCh37 (hg19) VCF-style: chr16-29825888-C-T.
Other names: c.1114C>T, p.Leu372Phe (NM_001256442.2); c.*613C>T (NM_001256443.2); short protein forms L372F.
Identifiers: ClinVar variation 1195679 (VCV001195679.2), dbSNP rs565298585, ClinGen allele CA7994659.